The following is an entry in ClinVar:

NM_004938.4(DAPK1):c.1599T>C (p.His533=)

Gene: DAPK1 (death associated protein kinase 1; plus strand). Cytogenetic location: 9q21.33.
Variant type: single nucleotide variant.
Coding change: c.1599T>C on transcript NM_004938.4 (MANE Select); coding-DNA position 1599, T replaced by C.
Protein change: p.His533=; no amino-acid change (histidine 533 retained).
Molecular consequence: synonymous variant.
Genome position (GRCh38, 1-based): chr9:87,650,091, T>C. VCF-style: chr9-87650091-T-C. GRCh37 (hg19) VCF-style: chr9-90265006-T-C.
Other names: c.1599T>C, p.His533= (NM_001288729.2, NM_001288730.2, NM_001288731.2).
Identifiers: ClinVar variation 2659290 (VCV002659290.24), dbSNP rs778616058, ClinGen allele CA5110143.

ClinVar aggregate classification (germline): Likely benign (1 of 4 stars; one submission).

Allele frequency attached by ClinVar (database versions not stated): TOPMed 0.00005; 1000 Genomes Project 30x 0.00047; gnomAD 0.00064.
gnomAD v4.1: 399 of 1,614,100 alleles (0.025%); highest among the groups gnomAD compares: East Asian, 0.042%; 1 homozygote.

Submission:

CeGaT Center for Human Genetics Tuebingen
Classification: Likely benign. Last evaluated: 2022-08-01. Review status: criteria provided, single submitter. Criteria: CeGaT Center For Human Genetics Tuebingen Variant Classification Criteria Version 2. Collection method: clinical testing. Allele origin: germline. Affected: yes. Observed: 1 variant allele.
Comment: DAPK1: BP4, BP7